The following is an entry in ClinVar:

NM_207037.2(TCF12):c.11A>T (p.Gln4Leu)

Gene: TCF12 (transcription factor 12; plus strand). Cytogenetic location: 15q21.3.
Variant type: single nucleotide variant.
Coding change: c.11A>T on transcript NM_207037.2 (MANE Select); coding-DNA position 11, A replaced by T.
Protein change: p.Gln4Leu; replaces glutamine 4 with leucine.
Molecular consequence: missense variant. On other transcripts: 5 prime UTR variant (3).
Genome position (GRCh38, 1-based): chr15:56,919,924, A>T. VCF-style: chr15-56919924-A-T. GRCh37 (hg19) VCF-style: chr15-57212122-A-T.
Other names: c.11A>T (NM_207037.1); c.11A>T, p.Gln4Leu (NM_001322151.2, NM_001322152.2, NM_001322157.3 and 8 more transcripts); c.-642A>T (NM_001322154.2); c.-226A>T (NM_001322156.2, NM_001322158.2); short protein forms Q4L.
Identifiers: ClinVar variation 1934221 (VCV001934221.6), dbSNP rs1286727750, ClinGen allele CA392786011.

ClinVar aggregate classification (germline): Uncertain significance. Review status: criteria provided, multiple submitters, no conflicts (2 of 4 stars). 2 submissions from 2 submitters: Uncertain significance (2). Last evaluated 2024-08-20.

Conditions:
Inborn genetic diseases. Identifiers: MedGen C0950123, MeSH D030342.

Allele frequency attached by ClinVar (database versions not stated): gnomAD exomes 0.00001.
gnomAD v4.1: 3 of 1,613,888 alleles (0.00019%); highest among the groups gnomAD compares: Admixed American, 0.0017%; no homozygotes.

Submissions (2):

Ambry Genetics
Classification: Uncertain significance for Inborn genetic diseases. Last evaluated: 2024-08-20. Review status: criteria provided, single submitter. Criteria: Ambry Variant Classification Scheme 2023. Collection method: clinical testing. Allele origin: germline.

Labcorp Genetics (formerly Invitae), Labcorp
Classification: Uncertain significance. Last evaluated: 2022-01-26. Review status: criteria provided, single submitter. Criteria: Invitae Variant Classification Sherloc (09022015). Collection method: clinical testing. Allele origin: germline.
Comment: In summary, the available evidence is currently insufficient to determine the role of this variant in disease. Therefore, it has been classified as a Variant of Uncertain Significance. Algorithms developed to predict the effect of missense changes on protein structure and function are either unavailable or do not agree on the potential impact of this missense change (SIFT: "Deleterious"; PolyPhen-2: "Benign"; Align-GVGD: "Class C0"). This variant has not been reported in the literature in individuals affected with TCF12-related conditions. This variant is present in population databases (no rsID available, gnomAD 0.003%). This sequence change replaces glutamine, which is neutral and polar, with leucine, which is neutral and non-polar, at codon 4 of the TCF12 protein (p.Gln4Leu).